The following is an entry in ClinVar:

NM_198506.5(LRIT3):c.867A>T (p.Arg289Ser)

Gene: LRIT3 (leucine rich repeat, Ig-like and transmembrane domains 3; plus strand). Cytogenetic location: 4q25.
Variant type: single nucleotide variant.
Coding change: c.867A>T on transcript NM_198506.5 (MANE Select); coding-DNA position 867, A replaced by T.
Protein change: p.Arg289Ser; replaces arginine 289 with serine.
Molecular consequence: missense variant.
Genome position (GRCh38, 1-based): chr4:109,867,918, A>T. VCF-style: chr4-109867918-A-T. GRCh37 (hg19) VCF-style: chr4-110789074-A-T.
Other names: short protein forms R289S.
Identifiers: ClinVar variation 2069430 (VCV002069430.4), dbSNP rs746364340, ClinGen allele CA3043072.

ClinVar aggregate classification (germline): Uncertain significance. Review status: criteria provided, multiple submitters, no conflicts (2 of 4 stars). 2 submissions from 2 submitters: Uncertain significance (2). Last evaluated 2022-06-22.

Allele frequency attached by ClinVar (database versions not stated): gnomAD exomes 0.00001; ExAC 0.00002.

Submissions (2):

Labcorp Genetics (formerly Invitae), Labcorp
Classification: Uncertain significance. Last evaluated: 2022-06-22. Review status: criteria provided, single submitter. Criteria: Invitae Variant Classification Sherloc (09022015). Collection method: clinical testing. Allele origin: germline.
Comment: This variant has not been reported in the literature in individuals affected with LRIT3-related conditions. This sequence change replaces arginine, which is basic and polar, with serine, which is neutral and polar, at codon 289 of the LRIT3 protein (p.Arg289Ser). This variant is present in population databases (rs746364340, gnomAD 0.02%). Algorithms developed to predict the effect of missense changes on protein structure and function (SIFT, PolyPhen-2, Align-GVGD) all suggest that this variant is likely to be disruptive. In summary, the available evidence is currently insufficient to determine the role of this variant in disease. Therefore, it has been classified as a Variant of Uncertain Significance.

Blueprint Genetics
Classification: Uncertain significance. Last evaluated: 2019-02-13. Review status: criteria provided, single submitter. Criteria: ACMG Guidelines, 2015. Collection method: clinical testing. Allele origin: germline.